The following is an entry in ClinVar:

NM_000020.3(ACVRL1):c.525+2T>C

Gene: ACVRL1 (activin A receptor like type 1; plus strand). Cytogenetic location: 12q13.13.
Variant type: single nucleotide variant.
Coding change: c.525+2T>C on transcript NM_000020.3 (MANE Select); the canonical splice donor site of the intron after coding-DNA position 525, T replaced by C.
Molecular consequence: splice donor variant. On other transcripts: intron variant (6).
Genome position (GRCh38, 1-based): chr12:51,913,772, T>C. VCF-style: chr12-51913772-T-C. GRCh37 (hg19) VCF-style: chr12-52307556-T-C.
Other names: c.313+422T>C (NM_001406491.1, NM_001406493.1, NM_001406490.1 and 2 more transcripts); c.525+2T>C (NM_001406488.1, NM_001406489.1, NM_001077401.2 and 1 more transcripts); c.62-667T>C (NM_001406495.1).
Identifiers: ClinVar variation 1163056 (VCV001163056.12), dbSNP rs2139067969, ClinGen allele CA384899379.

ClinVar aggregate classification (germline): Pathogenic. Review status: criteria provided, multiple submitters, no conflicts (2 of 4 stars). 3 submissions from 3 submitters: Pathogenic (3). Last evaluated 2021-10-03.

Conditions:
Cardiovascular phenotype. Identifiers: MedGen CN230736.
Telangiectasia, hereditary hemorrhagic, type 2 (HHT2). Also called: ACVRL1-Related Hereditary Hemorrhagic Telangiectasia; Telangiectasia, hereditary hemorrhagic, type II. Identifiers: Orphanet 774, MedGen C1838163, MONDO:0010880, OMIM 600376. Disease mechanism: loss of function.

Submissions (3):

Labcorp Genetics (formerly Invitae), Labcorp
Classification: Pathogenic for Telangiectasia, hereditary hemorrhagic, type 2. Last evaluated: 2021-10-03. Review status: criteria provided, single submitter. Criteria: Invitae Variant Classification Sherloc (09022015). Collection method: clinical testing. Allele origin: germline.
Comment: For these reasons, this variant has been classified as Pathogenic. Algorithms developed to predict the effect of sequence changes on RNA splicing suggest that this variant may disrupt the consensus splice site. ClinVar contains an entry for this variant (Variation ID: 1163056). Disruption of this splice site has been observed in individuals with hereditary hemorrhagic telangiectasia (PMID: 18673552, 24196379, 32503579). This variant is not present in population databases (ExAC no frequency). This sequence change affects a donor splice site in intron 4 of the ACVRL1 gene. It is expected to disrupt RNA splicing. Variants that disrupt the donor or acceptor splice site typically lead to a loss of protein function (PMID: 16199547), and loss-of-function variants in ACVRL1 are known to be pathogenic (PMID: 15879500).

Mayo Clinic Laboratories, Mayo Clinic
Classification: Pathogenic. Last evaluated: 2020-01-02. Review status: criteria provided, single submitter. Criteria: ACMG Guidelines, 2015. Collection method: clinical testing. Allele origin: germline. Observed: 1 variant allele.
Comment: PVS1, PM2, PP4

Ambry Genetics
Classification: Pathogenic for Cardiovascular phenotype. Last evaluated: 2018-12-11. Review status: criteria provided, single submitter. Criteria: Ambry Variant Classification Scheme 2023. Collection method: clinical testing. Allele origin: germline.
Comment: The c.525+2T>C intronic pathogenic mutation results from a T to C substitution two nucleotides after coding exon 3 in the ACVRL1 gene. This alteration has been identified in 2 individuals with hereditary hemorrhagic telangiectasia (HHT) by ARUP Laboratories. Alterations that disrupt the canonical splice site are expected to cause aberrant splicing, resulting in an abnormal protein or a transcript that is subject to nonsense-mediated mRNA decay.As such, this alteration is classified as a disease-causing mutation.

Literature cited by the submitters: PubMed 18673552 (cited by Labcorp Genetics (formerly Invitae), Labcorp); PubMed 24196379 (cited by Labcorp Genetics (formerly Invitae), Labcorp); PubMed 32503579 (cited by Labcorp Genetics (formerly Invitae), Labcorp); PubMed 16199547 (cited by Labcorp Genetics (formerly Invitae), Labcorp); PubMed 15879500 (cited by Labcorp Genetics (formerly Invitae), Labcorp).